The following is an entry in ClinVar:

NM_002582.4(PARN):c.1531G>A (p.Glu511Lys)

Gene: PARN (poly(A)-specific ribonuclease; minus strand). Cytogenetic location: 16p13.12.
Variant type: single nucleotide variant.
Coding change: c.1531G>A on transcript NM_002582.4 (MANE Select); coding-DNA position 1531, G replaced by A.
Protein change: p.Glu511Lys; replaces glutamic acid 511 with lysine.
Molecular consequence: missense variant.
Genome position (GRCh38, 1-based): chr16:14,482,777, C>T on the plus strand (G>A on the coding strand, the complement: PARN is on the minus strand). VCF-style: chr16-14482777-C-T. GRCh37 (hg19) VCF-style: chr16-14576634-C-T.
Other names: c.1348G>A, p.Glu450Lys (NM_001134477.3); c.1393G>A, p.Glu465Lys (NM_001242992.2); short protein forms E511K, E450K, E465K.
Identifiers: ClinVar variation 1372497 (VCV001372497.8), dbSNP rs759381342, ClinGen allele CA7911991.

ClinVar aggregate classification (germline): Uncertain significance (1 of 4 stars; one submission).

Conditions:
Dyskeratosis congenita, autosomal recessive 6 (DKCB6). Identifiers: MedGen C4225356, MONDO:0014600, OMIM 616353.
Pulmonary fibrosis and/or bone marrow failure, Telomere-related, 4. Also called: PULMONARY FIBROSIS AND/OR BONE MARROW FAILURE SYNDROME, TELOMERE-RELATED, 4. Identifiers: Orphanet 2032, MedGen C4225347, MONDO:0014612, OMIM 616371.

Allele frequency attached by ClinVar (database versions not stated): TOPMed below 0.00001; ExAC 0.00001; gnomAD exomes 0.00001.
gnomAD v4.1: 18 of 1,613,832 alleles (0.0011%); highest among the groups gnomAD compares: Non-Finnish European, 0.0015%; no homozygotes.

Submission:

Labcorp Genetics (formerly Invitae), Labcorp
Classification: Uncertain significance for Dyskeratosis congenita, autosomal recessive 6; Pulmonary fibrosis and/or bone marrow failure, Telomere-related, 4. Last evaluated: 2020-11-06. Review status: criteria provided, single submitter. Criteria: Invitae Variant Classification Sherloc (09022015). Collection method: clinical testing. Allele origin: germline.
Comment: In summary, the available evidence is currently insufficient to determine the role of this variant in disease. Therefore, it has been classified as a Variant of Uncertain Significance. Algorithms developed to predict the effect of missense changes on protein structure and function (SIFT, PolyPhen-2, Align-GVGD) all suggest that this variant is likely to be tolerated, but these predictions have not been confirmed by published functional studies and their clinical significance is uncertain. This variant has not been reported in the literature in individuals with PARN-related conditions. This variant is present in population databases (rs759381342, ExAC 0.002%). This sequence change replaces glutamic acid with lysine at codon 511 of the PARN protein (p.Glu511Lys). The glutamic acid residue is moderately conserved and there is a small physicochemical difference between glutamic acid and lysine.